The following is an entry in ClinVar:

NM_021975.4(RELA):c.521G>A (p.Arg174His)

Gene: RELA (RELA proto-oncogene, NF-kB subunit; minus strand). Cytogenetic location: 11q13.1.
Variant type: single nucleotide variant.
Coding change: c.521G>A on transcript NM_021975.4 (MANE Select); coding-DNA position 521, G replaced by A.
Protein change: p.Arg174His; replaces arginine 174 with histidine.
Molecular consequence: missense variant.
Genome position (GRCh38, 1-based): chr11:65,659,704, C>T on the plus strand (G>A on the coding strand, the complement: RELA is on the minus strand). VCF-style: chr11-65659704-C-T. GRCh37 (hg19) VCF-style: chr11-65427175-C-T.
Other names: c.512G>A, p.Arg171His (NM_001145138.2); c.521G>A, p.Arg174His (NM_001243984.2, NM_001243985.2, NM_001404659.1 and 1 more transcripts); c.554G>A, p.Arg185His (NM_001404657.1); c.494G>A, p.Arg165His (NM_001404658.1); c.140G>A, p.Arg47His (NM_001404661.1); c.428G>A, p.Arg143His (NM_001404662.1, NM_001404663.1); c.521G>A (NM_021975.3); short protein forms R165H, R47H, R143H, R171H, R174H, R185H.
Identifiers: ClinVar variation 1915125 (VCV001915125.6), dbSNP rs1461359004, ClinGen allele CA381392838.
Genomic context (GRCh38, chr11:65,659,704, plus strand): 5'-CTGCGTCTCCCTCGCTACTCACGATTGTCAAAGATGGGATGAGAAAGGACAGGCGGCAGG[C>T]GGAGGGGCCTGCCTGATGGGTCCCGCACTGTCACCTGGAAGCAGAGCCGCACAGCATTCA-3'
Protein context (NP_068810.3, residues 164-184): TVRDPSGRPL[Arg174His]LPPVLSHPIF

ClinVar aggregate classification (germline): Uncertain significance. Review status: criteria provided, multiple submitters, no conflicts (2 of 4 stars). 2 submissions from 2 submitters: Uncertain significance (2). Last evaluated 2026-01-27.

Allele frequency attached by ClinVar (database versions not stated): TOPMed below 0.00001; gnomAD 0.00001; gnomAD exomes 0.00001.
gnomAD v4.1: 11 of 1,613,768 alleles (0.00068%); highest among the groups gnomAD compares: South Asian, 0.0011%; no homozygotes.

Submissions (2):

Labcorp Genetics (formerly Invitae), Labcorp
Classification: Uncertain significance. Last evaluated: 2026-01-27. Review status: criteria provided, single submitter. Criteria: Invitae Variant Classification Sherloc (09022015). Collection method: clinical testing. Allele origin: germline.
Comment: This sequence change replaces arginine, which is basic and polar, with histidine, which is basic and polar, at codon 174 of the RELA protein (p.Arg174His). This variant is not present in population databases (gnomAD no frequency). This variant has not been reported in the literature in individuals affected with RELA-related conditions. ClinVar contains an entry for this variant (Variation ID: 1915125). An algorithm developed to predict the effect of missense changes on protein structure and function (PolyPhen-2) suggests that this variant is likely to be tolerated. In summary, the available evidence is currently insufficient to determine the role of this variant in disease. Therefore, it has been classified as a Variant of Uncertain Significance.

Ambry Genetics
Classification: Uncertain significance. Last evaluated: 2023-09-19. Review status: criteria provided, single submitter. Criteria: Ambry Variant Classification Scheme 2023. Collection method: clinical testing. Allele origin: germline.